The following is an entry in ClinVar:

NM_020297.4(ABCC9):c.497G>A (p.Arg166His)

Gene: ABCC9 (ATP binding cassette subfamily C member 9; minus strand). Cytogenetic location: 12p12.1.
Variant type: single nucleotide variant.
Coding change: c.497G>A on transcript NM_020297.4 (MANE Select); coding-DNA position 497, G replaced by A.
Protein change: p.Arg166His; replaces arginine 166 with histidine.
Molecular consequence: missense variant. On other transcripts: intron variant (1).
Genome position (GRCh38, 1-based): chr12:21,917,013, C>T on the plus strand (G>A on the coding strand, the complement: ABCC9 is on the minus strand). VCF-style: chr12-21917013-C-T. GRCh37 (hg19) VCF-style: chr12-22069947-C-T.
Other names: c.497G>A, p.Arg166His (NM_001377273.1, NM_005691.4); c.-48-3947G>A (NM_001377274.1); short protein forms R166H.
Identifiers: ClinVar variation 647818 (VCV000647818.32), dbSNP rs772244404, ClinGen allele CA6481855.

ClinVar aggregate classification (germline): Uncertain significance. Review status: criteria provided, multiple submitters, no conflicts (2 of 4 stars). 2 submissions from 2 submitters: Uncertain significance (2). Last evaluated 2025-12-28.

Conditions:
Dilated cardiomyopathy 1O (CMD1O). Also called: CARDIOMYOPATHY, DILATED, WITH VENTRICULAR TACHYCARDIA. Identifiers: Orphanet 154, MedGen C1837839, MONDO:0012062, OMIM 608569.

Allele frequency attached by ClinVar (database versions not stated): gnomAD exomes 0.00001 and 0.00002; TOPMed 0.00001; gnomAD 0.00002; ExAC 0.00003.
gnomAD v4.1: 27 of 1,613,614 alleles (0.0017%); highest among the groups gnomAD compares: Middle Eastern, 0.033%; 2 homozygotes.

Submissions (2):

Labcorp Genetics (formerly Invitae), Labcorp
Classification: Uncertain significance for Dilated cardiomyopathy 1O. Last evaluated: 2025-12-28. Review status: criteria provided, single submitter. Criteria: Invitae Variant Classification Sherloc (09022015). Collection method: clinical testing. Allele origin: germline.
Comment: This sequence change replaces arginine, which is basic and polar, with histidine, which is basic and polar, at codon 166 of the ABCC9 protein (p.Arg166His). This variant is present in population databases (rs772244404, gnomAD 0.006%). This variant has not been reported in the literature in individuals affected with ABCC9-related conditions. ClinVar contains an entry for this variant (Variation ID: 647818). Invitae Evidence Modeling of protein sequence and biophysical properties (such as structural, functional, and spatial information, amino acid conservation, physicochemical variation, residue mobility, and thermodynamic stability) indicates that this missense variant is expected to disrupt ABCC9 protein function with a positive predictive value of 95%. In summary, the available evidence is currently insufficient to determine the role of this variant in disease. Therefore, it has been classified as a Variant of Uncertain Significance.

CeGaT Center for Human Genetics Tuebingen
Classification: Uncertain significance. Last evaluated: 2022-11-01. Review status: criteria provided, single submitter. Criteria: CeGaT Center For Human Genetics Tuebingen Variant Classification Criteria Version 2. Collection method: clinical testing. Allele origin: germline. Affected: yes. Observed: 1 variant allele.
Comment: ABCC9: PP2